The following is an entry in ClinVar:

NM_001378454.1(ALMS1):c.46G>T (p.Glu16Ter)

Gene: ALMS1 (ALMS1 centrosome and basal body associated protein; plus strand). Cytogenetic location: 2p13.1.
Variant type: single nucleotide variant.
Coding change: c.46G>T on transcript NM_001378454.1 (MANE Select); coding-DNA position 46, G replaced by T.
Protein change: p.Glu16Ter; replaces glutamic acid 16 with a stop codon.
Molecular consequence: nonsense.
Genome position (GRCh38, 1-based): chr2:73,385,914, G>T. VCF-style: chr2-73385914-G-T. GRCh37 (hg19) VCF-style: chr2-73613042-G-T.
Other names: c.49G>T, p.Glu17Ter (NM_015120.4); short protein forms E16*, E17*.
Identifiers: ClinVar variation 2739156 (VCV002739156.3), dbSNP rs1174023229, ClinGen allele CA347250477.

ClinVar aggregate classification (germline): Pathogenic (1 of 4 stars; one submission).

Conditions:
Alstrom syndrome (ALMS). Identifiers: Orphanet 64, MedGen C0268425, MONDO:0008763, OMIM 203800.

Allele frequency attached by ClinVar (database versions not stated): TOPMed below 0.00001.

Submission:

Labcorp Genetics (formerly Invitae), Labcorp
Classification: Pathogenic for Alstrom syndrome. Last evaluated: 2023-11-21. Review status: criteria provided, single submitter. Criteria: Invitae Variant Classification Sherloc (09022015). Collection method: clinical testing. Allele origin: germline.
Comment: This sequence change creates a premature translational stop signal (p.Glu17*) in the ALMS1 gene. It is expected to result in an absent or disrupted protein product. Loss-of-function variants in ALMS1 are known to be pathogenic (PMID: 17594715). This variant is not present in population databases (gnomAD no frequency). This variant has not been reported in the literature in individuals affected with ALMS1-related conditions. For these reasons, this variant has been classified as Pathogenic.

Literature cited by the submitters: PubMed 17594715.